The following is an entry in ClinVar:

NM_000038.6(APC):c.3690G>A (p.Gln1230=)

Gene: APC (APC regulator of Wnt signaling pathway; plus strand). Cytogenetic location: 5q22.2.
Variant type: single nucleotide variant.
Coding change: c.3690G>A on transcript NM_000038.6 (MANE Select); coding-DNA position 3690, G replaced by A.
Protein change: p.Gln1230=; no amino-acid change (glutamine 1230 retained).
Molecular consequence: synonymous variant. On other transcripts: non-coding transcript variant (2).
Genome position (GRCh38, 1-based): chr5:112,839,284, G>A. VCF-style: chr5-112839284-G-A. GRCh37 (hg19) VCF-style: chr5-112174981-G-A.
Other names: c.3690G>A, p.Gln1230= (NM_001127510.3, NM_001354895.2, NM_001407450.1); c.3636G>A, p.Gln1212= (NM_001127511.3); c.3744G>A, p.Gln1248= (NM_001354896.2, NM_001407447.1, NM_001407448.1 and 1 more transcripts); c.3720G>A, p.Gln1240= (NM_001354897.2); c.3615G>A, p.Gln1205= (NM_001354898.2); c.3606G>A, p.Gln1202= (NM_001354899.2); c.3567G>A, p.Gln1189= (NM_001354900.2); c.3513G>A, p.Gln1171= (NM_001354901.2, NM_001407453.1); and 11 more.
Identifiers: ClinVar variation 3148076 (VCV003148076.1), dbSNP rs147268065, ClinGen allele CA445963891.

ClinVar aggregate classification (germline): Benign (1 of 4 stars; one submission).

Conditions:
Familial adenomatous polyposis 1 (FAP1). Also called: POLYPOSIS, ADENOMATOUS INTESTINAL; FAMILIAL ADENOMATOUS POLYPOSIS 1, ATTENUATED. Identifiers: MedGen C2713442, MONDO:0021056, OMIM 175100. Disease mechanism: loss of function.

gnomAD v4.1: 1 of 1,614,144 alleles (0.000062%); no homozygotes.

Submission:

Myriad Genetics, Inc.
Classification: Benign for Familial adenomatous polyposis 1. Last evaluated: 2024-03-21. Review status: criteria provided, single submitter. Criteria: Myriad Autosomal Dominant, Autosomal Recessive and X-Linked Classification Criteria (2023). Collection method: clinical testing. Allele origin: unknown.
Comment: This variant is considered benign. This variant is a silent/synonymous amino acid change and it is not expected to impact splicing.